The following is an entry in ClinVar:

ClinVar aggregate classification (germline): Uncertain significance (1 of 4 stars; one submission).

Conditions:
Spermatogenic failure 18. Identifiers: MedGen C4539783, MONDO:0054615, OMIM 617576.
Ciliary dyskinesia, primary, 37 (CILD37). Also called: CILIARY DYSKINESIA, PRIMARY, 37, WITH OR WITHOUT SITUS INVERSUS. Identifiers: MedGen C4539798, MONDO:0033204, OMIM 617577.

Allele frequency attached by ClinVar (database versions not stated): gnomAD 0.00002; gnomAD exomes 0.00002; TOPMed 0.00002; ExAC 0.00003.
gnomAD v4.1: 27 of 1,601,374 alleles (0.0017%); highest among the groups gnomAD compares: South Asian, 0.0045%; no homozygotes.

Submission:

Labcorp Genetics (formerly Invitae), Labcorp
Classification: Uncertain significance for Ciliary dyskinesia, primary, 37; Spermatogenic failure 18. Last evaluated: 2022-11-01. Review status: criteria provided, single submitter. Criteria: Invitae Variant Classification Sherloc (09022015). Collection method: clinical testing. Allele origin: germline.
Comment: Advanced modeling of protein sequence and biophysical properties (such as structural, functional, and spatial information, amino acid conservation, physicochemical variation, residue mobility, and thermodynamic stability) performed at Invitae indicates that this missense variant is expected to disrupt DNAH1 protein function. ClinVar contains an entry for this variant (Variation ID: 1404408). This variant has not been reported in the literature in individuals affected with DNAH1-related conditions. In summary, the available evidence is currently insufficient to determine the role of this variant in disease. Therefore, it has been classified as a Variant of Uncertain Significance. The frequency data for this variant in the population databases is considered unreliable, as metrics indicate poor data quality at this position in the gnomAD database. This sequence change replaces alanine, which is neutral and non-polar, with threonine, which is neutral and polar, at codon 3042 of the DNAH1 protein (p.Ala3042Thr).

NM_015512.5(DNAH1):c.9124G>A (p.Ala3042Thr)

Gene: DNAH1 (dynein axonemal heavy chain 1; plus strand). Cytogenetic location: 3p21.1.
Variant type: single nucleotide variant.
Coding change: c.9124G>A on transcript NM_015512.5 (MANE Select); coding-DNA position 9124, G replaced by A.
Protein change: p.Ala3042Thr; replaces alanine 3042 with threonine.
Molecular consequence: missense variant.
Genome position (GRCh38, 1-based): chr3:52,388,287, G>A. VCF-style: chr3-52388287-G-A. GRCh37 (hg19) VCF-style: chr3-52422303-G-A.
Other names: short protein forms A3042T.
Identifiers: ClinVar variation 1404408 (VCV001404408.6), dbSNP rs759706633, ClinGen allele CA2435385.